The following is an entry in ClinVar:

ClinVar aggregate classification (germline): Uncertain significance (1 of 4 stars; one submission).

gnomAD v4.1: 2 of 1,614,156 alleles (0.00012%); highest among the groups gnomAD compares: Middle Eastern, 0.017%; no homozygotes.

Submission:

Labcorp Genetics (formerly Invitae), Labcorp
Classification: Uncertain significance. Last evaluated: 2024-04-03. Review status: criteria provided, single submitter. Criteria: Invitae Variant Classification Sherloc (09022015). Collection method: clinical testing. Allele origin: germline.
Comment: This sequence change replaces glycine, which is neutral and non-polar, with glutamic acid, which is acidic and polar, at codon 395 of the SCP2 protein (p.Gly395Glu). This variant is not present in population databases (gnomAD no frequency). This variant has not been reported in the literature in individuals affected with SCP2-related conditions. An algorithm developed to predict the effect of missense changes on protein structure and function (PolyPhen-2) suggests that this variant is likely to be disruptive. In summary, the available evidence is currently insufficient to determine the role of this variant in disease. Therefore, it has been classified as a Variant of Uncertain Significance.

NM_002979.5(SCP2):c.1184G>A (p.Gly395Glu)

Gene: SCP2 (sterol carrier protein 2; plus strand). Cytogenetic location: 1p32.3.
Variant type: single nucleotide variant.
Coding change: c.1184G>A on transcript NM_002979.5 (MANE Select); coding-DNA position 1184, G replaced by A.
Protein change: p.Gly395Glu; replaces glycine 395 with glutamic acid.
Molecular consequence: missense variant. On other transcripts: 5 prime UTR variant (3).
Genome position (GRCh38, 1-based): chr1:53,014,992, G>A. VCF-style: chr1-53014992-G-A. GRCh37 (hg19) VCF-style: chr1-53480664-G-A.
Other names: c.-29G>A (NM_001007099.3, NM_001007100.3, NM_001007250.3); c.1112G>A, p.Gly371Glu (NM_001193599.2); c.1052G>A, p.Gly351Glu (NM_001193600.2); c.941G>A, p.Gly314Glu (NM_001193617.2); short protein forms G351E, G371E, G314E, G395E.
Identifiers: ClinVar variation 3630766 (VCV003630766.2).